The following is an entry in ClinVar:

NM_001370259.2(MEN1):c.1407_1421dup (p.Glu474_Ala475insProTrpGlyGluGlu)

Gene: MEN1 (menin 1; minus strand). Cytogenetic location: 11q13.1.
Variant type: Duplication.
Coding change: c.1407_1421dup on transcript NM_001370259.2 (MANE Select); coding-DNA positions 1407 to 1421, 15 bases duplicated (GCCGTGGGGCGAGGA).
Protein change: p.Glu474_Ala475insProTrpGlyGluGlu.
Molecular consequence: inframe insertion. On other transcripts: inframe indel (12).
Genome position (GRCh38, 1-based): chr11:64,804,746-64,804,760, TCCTCGCCCCACGGC duplicated on the plus strand (GCCGTGGGGCGAGGA on the coding strand, the reverse complement: MEN1 is on the minus strand); duplicating any 15 consecutive bases within chr11:64,804,746-64,804,766 gives the same sequence; the c. name uses the placement nearest the transcript's 3' end. VCF-style (leftmost placement, unchanged base first): chr11-64804745-T-TTCCTCGCCCCACGGC. GRCh37 (hg19) VCF-style: chr11-64572217-T-TTCCTCGCCCCACGGC.
Other names: c.1422_1436dup, p.Glu479_Ala480insProTrpGlyGluGlu (NM_000244.4, NM_130800.3, NM_130801.3 and 3 more transcripts); c.1533_1547dup, p.Glu516_Ala517insProTrpGlyGluGlu (NM_001370251.2); c.1407_1421dup, p.Glu474_Ala475insProTrpGlyGluGlu (NM_001370260.2, NM_001370261.2, NM_130799.3); c.1302_1316dup, p.Glu439_Ala440insProTrpGlyGluGlu (NM_001370262.2, NM_001370263.2); c.1527_1541dup, p.Glu516_Ala517insProTrpGlyGluGlu (NM_001407142.1, NM_001407143.1, NM_001407144.1); c.1416_1430dup, p.Glu479_Ala480insProTrpGlyGluGlu (NM_001407145.1); c.1401_1415dup, p.Glu474_Ala475insProTrpGlyGluGlu (NM_001407146.1, NM_001407147.1); c.1296_1310dup, p.Glu439_Ala440insProTrpGlyGluGlu (NM_001407148.1, NM_001407149.1); and 4 more.
Identifiers: ClinVar variation 1771911 (VCV001771911.2), dbSNP rs1033303123, ClinGen allele CA2580084429.
Genomic context (GRCh38, chr11:64,804,745, plus strand): 5'-CGGCGGGGGCTCCTCTGGCTTGGACTCCCGCCGTGGGCCCCGCCGCCGGCCTTCCCGGGC[T>TTCCTCGCCCCACGGC]TCCTCGCCCCACGGCTCCTCGGCCTCGGCCGCCTCGGCCTCTCGGCTCACTATGCGCACC-3'

ClinVar aggregate classification (germline): Uncertain significance (1 of 4 stars; one submission).

Conditions:
Hereditary cancer-predisposing syndrome. Also called: Hereditary Cancer Syndrome; Hereditary neoplastic syndrome; Neoplastic Syndromes, Hereditary; Tumor predisposition. Identifiers: Orphanet 140162, MedGen C0027672, MeSH D009386, MONDO:0015356.

Submission:

Ambry Genetics
Classification: Uncertain significance for Hereditary cancer-predisposing syndrome. Last evaluated: 2022-06-17. Review status: criteria provided, single submitter. Criteria: Ambry Variant Classification Scheme 2023. Collection method: clinical testing. Allele origin: germline.
Comment: The c.1407_1421dup15 variant (also known as p.P470_E474dup), located in coding exon 9 of the MEN1 gene, results from an in-frame duplication of 15 nucleotides at nucleotide positions 1407 to 1421. This results in the duplication of 5 extra residues (PWGEE) between codons 470 and 474. This amino acid region is not well conserved in available vertebrate species. In addition, the in silico prediction for this alteration is inconclusive (Choi Y et al. PLoS ONE. 2012; 7(10):e46688). Since supporting evidence is limited at this time, the clinical significance of this alteration remains unclear.